The following is an entry in ClinVar:

NM_177438.3(DICER1):c.1203T>C (p.Tyr401=)

Gene: DICER1 (dicer 1, ribonuclease III; minus strand). Cytogenetic location: 14q32.13.
Variant type: single nucleotide variant.
Coding change: c.1203T>C on transcript NM_177438.3 (MANE Select); coding-DNA position 1203, T replaced by C.
Protein change: p.Tyr401=; no amino-acid change (tyrosine 401 retained).
Molecular consequence: synonymous variant. On other transcripts: non-coding transcript variant (6), 5 prime UTR variant (1).
Genome position (GRCh38, 1-based): chr14:95,124,369, A>G on the plus strand (T>C on the coding strand, the complement: DICER1 is on the minus strand). VCF-style: chr14-95124369-A-G. GRCh37 (hg19) VCF-style: chr14-95590706-A-G.
Other names: c.1203T>C, p.Tyr401= (NM_030621.4, NM_001395692.1, NM_001395693.1 and 14 more transcripts); c.798T>C, p.Tyr266= (NM_001395690.1, NM_001395696.1, NM_001395698.1 and 3 more transcripts); c.636T>C, p.Tyr212= (NM_001395691.1); c.-366T>C (NM_001395697.1); c.921T>C, p.Tyr307= (NM_001395686.1).
Identifiers: ClinVar variation 4011578 (VCV004011578.2).

ClinVar aggregate classification (germline): Benign/Likely benign. Review status: criteria provided, multiple submitters, no conflicts (2 of 4 stars). 2 submissions from 2 submitters: Benign (1); Likely benign (1). Last evaluated 2026-04-15.

Conditions:
Hereditary cancer-predisposing syndrome. Also called: Neoplastic Syndromes, Hereditary; Tumor predisposition; Hereditary Cancer Syndrome; Hereditary neoplastic syndrome. Identifiers: Orphanet 140162, MedGen C0027672, MeSH D009386, MONDO:0015356.
DICER1-related tumor predisposition. Also called: DICER1-related pleuropulmonary blastoma cancer predisposition syndrome; DICER1 syndrome. Identifiers: Orphanet 284343, MedGen C3839822, MONDO:0100216.

gnomAD v4.1: 1 of 1,614,174 alleles (0.000062%); highest among the groups gnomAD compares: Non-Finnish European, 0.000085%; no homozygotes.

Submissions (2):

Myriad Genetics, Inc.
Classification: Benign for DICER1-related tumor predisposition. Last evaluated: 2026-04-15. Review status: criteria provided, single submitter. Criteria: Myriad Autosomal Dominant, Autosomal Recessive and X-Linked Classification Criteria (2023). Collection method: clinical testing. Allele origin: unknown.
Comment: This variant is considered benign. This variant is a silent/synonymous amino acid change and it is not expected to impact splicing.

Ambry Genetics
Classification: Likely benign for Hereditary cancer-predisposing syndrome. Last evaluated: 2025-05-15. Review status: criteria provided, single submitter. Criteria: Ambry Variant Classification Scheme 2023. Collection method: clinical testing. Allele origin: germline.